The following is an entry in ClinVar:

NM_004415.4(DSP):c.6597C>T (p.Leu2199=)

Gene: DSP (desmoplakin; plus strand). Cytogenetic location: 6p24.3.
Variant type: single nucleotide variant.
Coding change: c.6597C>T on transcript NM_004415.4 (MANE Select); coding-DNA position 6597, C replaced by T.
Protein change: p.Leu2199=; no amino-acid change (leucine 2199 retained).
Molecular consequence: synonymous variant.
Genome position (GRCh38, 1-based): chr6:7,583,859, C>T. VCF-style: chr6-7583859-C-T. GRCh37 (hg19) VCF-style: chr6-7584092-C-T.
Other names: c.6597C>T (LRG_423t1, NM_004415.3); c.4800C>T, p.Leu1600= (NM_001008844.3); c.5268C>T, p.Leu1756= (NM_001319034.2).
Identifiers: ClinVar variation 465905 (VCV000465905.15), dbSNP rs567782337, ClinGen allele CA448715893.

ClinVar aggregate classification (germline): Likely benign. Review status: criteria provided, multiple submitters, no conflicts (2 of 4 stars). 4 submissions from 4 submitters: Likely benign (4). Last evaluated 2026-07-21.

Conditions:
DSP-related disorder. Also called: DSP-related disorders; DSP-related condition.
Cardiovascular phenotype. Identifiers: MedGen CN230736.
Cardiomyopathy (CMYO). Also called: Cardiomyopathies. Identifiers: Orphanet 167848, MedGen C0878544, MONDO:0004994, HP:0001638. Inheritance: Various modes of inheritance.
Arrhythmogenic right ventricular dysplasia 8 (ARVD8). Also called: Arrhythmogenic Right Ventricular Dysplasia/Cardiomyopathy 8; ARRHYTHMOGENIC RIGHT VENTRICULAR DYSPLASIA, FAMILIAL, 8; ARRHYTHMOGENIC RIGHT VENTRICULAR CARDIOMYOPATHY 8. Identifiers: MedGen C1843896, MONDO:0011831, OMIM 607450.
Arrhythmogenic cardiomyopathy with wooly hair and keratoderma. Also called: Arrhythmogenic cardiomyopathy with woolly hair and keratoderma; PALMOPLANTAR KERATODERMA WITH LEFT VENTRICULAR CARDIOMYOPATHY AND WOOLLY HAIR; Carvajal syndrome; Dilated cardiomyopathy with woolly hair and keratoderma. Identifiers: Orphanet 65282, MedGen C1854063, MONDO:0011581, OMIM 605676.

Allele frequency attached by ClinVar (database versions not stated): TOPMed 0.00001; gnomAD 0.00002.
gnomAD v4.1: 10 of 1,614,020 alleles (0.00062%); highest among the groups gnomAD compares: African/African-American, 0.0013%; no homozygotes.

Submissions (4):

PreventionGenetics, part of Exact Sciences
Classification: Likely benign for DSP-related condition. Last evaluated: 2026-07-21. Review status: criteria provided, single submitter. Criteria: ACMG Guidelines, 2015. Collection method: clinical testing. Allele origin: germline.
Comment: This variant is classified as likely benign based on ACMG/AMP sequence variant interpretation guidelines (Richards et al. 2015 PMID: 25741868, with internal and published modifications).

Labcorp Genetics (formerly Invitae), Labcorp
Classification: Likely benign for Arrhythmogenic cardiomyopathy with wooly hair and keratoderma; Arrhythmogenic right ventricular dysplasia 8. Last evaluated: 2025-08-26. Review status: criteria provided, single submitter. Criteria: Invitae Variant Classification Sherloc (09022015). Collection method: clinical testing. Allele origin: germline.

Ambry Genetics
Classification: Likely benign for Cardiovascular phenotype. Last evaluated: 2019-07-05. Review status: criteria provided, single submitter. Criteria: Ambry Variant Classification Scheme 2023. Collection method: clinical testing. Allele origin: germline.

Color Diagnostics, LLC DBA Color Health
Classification: Likely benign for Cardiomyopathy. Last evaluated: 2019-02-16. Review status: criteria provided, single submitter. Criteria: ACMG Guidelines, 2015. Collection method: clinical testing. Allele origin: germline.